The following is an entry in ClinVar:

NM_000428.3(LTBP2):c.4286G>A (p.Arg1429Gln)

Gene: LTBP2 (latent transforming growth factor beta binding protein 2; minus strand). Cytogenetic location: 14q24.3.
Variant type: single nucleotide variant.
Coding change: c.4286G>A on transcript NM_000428.3 (MANE Select); coding-DNA position 4286, G replaced by A.
Protein change: p.Arg1429Gln; replaces arginine 1429 with glutamine.
Molecular consequence: missense variant.
Genome position (GRCh38, 1-based): chr14:74,505,066, C>T on the plus strand (G>A on the coding strand, the complement: LTBP2 is on the minus strand). VCF-style: chr14-74505066-C-T. GRCh37 (hg19) VCF-style: chr14-74971769-C-T.
Other names: short protein forms R1429Q.
Identifiers: ClinVar variation 773556 (VCV000773556.41), dbSNP rs116914994, ClinGen allele CA7268799.

ClinVar aggregate classification (germline): Benign/Likely benign. Review status: criteria provided, multiple submitters, no conflicts (2 of 4 stars). 6 submissions from 5 submitters: Benign (4); Likely benign (2). Last evaluated 2026-02-02.

Conditions:
Weill-Marchesani syndrome. Also called: WM Syndrome; Mesodermal dysmorphodystrophy congenital. Identifiers: Orphanet 3449, MedGen C0265313, MONDO:0018096.
Glaucoma 3, primary congenital, D. Identifiers: Orphanet 98976, MedGen C2751316, MONDO:0013122, OMIM 613086.

Allele frequency attached by ClinVar (database versions not stated): gnomAD 0.00133 and 0.00184; TOPMed 0.00264; gnomAD exomes 0.00381; ExAC 0.00395; 1000 Genomes Project 30x 0.00734; 1000 Genomes Project 0.00739.
gnomAD v4.1: 2,021 of 1,614,146 alleles (0.13%); highest among the groups gnomAD compares: East Asian, 3.9%; 43 homozygotes.

Submissions (6):

Labcorp Genetics (formerly Invitae), Labcorp
Classification: Benign. Last evaluated: 2026-02-02. Review status: criteria provided, single submitter. Criteria: Invitae Variant Classification Sherloc (09022015). Collection method: clinical testing. Allele origin: germline.

CeGaT Center for Human Genetics Tuebingen
Classification: Benign. Last evaluated: 2023-10-01. Review status: criteria provided, single submitter. Criteria: CeGaT Center For Human Genetics Tuebingen Variant Classification Criteria Version 2. Collection method: clinical testing. Allele origin: germline. Affected: yes. Observed: 1 variant allele.
Comment: LTBP2: BP4, BS1, BS2

GeneDx
Classification: Benign. Last evaluated: 2021-05-05. Review status: criteria provided, single submitter. Criteria: GeneDx Variant Classification Process June 2021. Collection method: clinical testing. Allele origin: germline. Affected: yes.
Comment: This variant is associated with the following publications: (PMID: 30653986)

Illumina Laboratory Services, Illumina
Classification: Benign for Weill-Marchesani syndrome. Last evaluated: 2018-01-12. Review status: criteria provided, single submitter. Criteria: ICSL Variant Classification Criteria 13 December 2019. Collection method: clinical testing. Allele origin: germline.
Comment: This variant was observed in the ICSL laboratory as part of a predisposition screen in an ostensibly healthy population. It had not been previously curated by ICSL or reported in the Human Gene Mutation Database (HGMD: prior to June 1st, 2018), and was therefore a candidate for classification through an automated scoring system. Utilizing variant allele frequency, disease prevalence and penetrance estimates, and inheritance mode, an automated score was calculated to assess if this variant is too frequent to cause the disease. Based on the score and internal cut-off values, a variant classified as benign is not then subjected to further curation. The score for this variant resulted in a classification of benign for this disease.

Illumina Laboratory Services, Illumina
Classification: Likely benign for Glaucoma 3, primary congenital, D. Last evaluated: 2018-01-12. Review status: criteria provided, single submitter. Criteria: ICSL Variant Classification Criteria 13 December 2019. Collection method: clinical testing. Allele origin: germline.
Comment: This variant was observed in the ICSL laboratory as part of a predisposition screen in an ostensibly healthy population. It had not been previously curated by ICSL or reported in the Human Gene Mutation Database (HGMD: prior to June 1st, 2018), and was therefore a candidate for classification through an automated scoring system. Utilizing variant allele frequency, disease prevalence and penetrance estimates, and inheritance mode, an automated score was calculated to assess if this variant is too frequent to cause the disease. Based on the score and internal cut-off values, a variant classified as likely benign is not then subjected to further curation. The score for this variant resulted in a classification of likely benign for this disease.

Breakthrough Genomics
Classification: Likely benign. Review status: criteria provided, single submitter. Criteria: ACMG Guidelines, 2015. Collection method: not provided. Allele origin: germline. Inheritance: Autosomal recessive inheritance. Affected: yes.